The following is an entry in ClinVar:

ClinVar aggregate classification (germline): Uncertain significance (1 of 4 stars; one submission).

Conditions:
Hypercholesterolemia, autosomal dominant, 3 (FHCL3). Also called: Familial Hypercholesterolemia, Autosomal Dominant, 3; Familial hypercholesterolemia 3; PCSK9-Related Familial Hypercholesterolemia, Autosomal Dominant. Identifiers: MedGen C1863551, MONDO:0011369, OMIM 603776.

Submission:

Labcorp Genetics (formerly Invitae), Labcorp
Classification: Uncertain significance for Hypercholesterolemia, autosomal dominant, 3. Last evaluated: 2016-04-29. Review status: criteria provided, single submitter. Criteria: Invitae Variant Classification Sherloc (09022015). Collection method: clinical testing. Allele origin: germline.
Comment: This sequence change replaces glutamic acid with lysine at codon 620 of the PCSK9 protein (p.Glu620Lys). The glutamic acid residue is weakly conserved and there is a small physicochemical difference between glutamic acid and lysine. While this variant is not present in population databases (ExAC no frequency), the frequency information is unreliable, as metrics indicate poor data quality at this position in the ExAC database. This variant has not been reported in the literature in an individual with a PCSK9-related disease. Algorithms developed to predict the effect of missense changes on protein structure and function (SIFT, PolyPhen-2, Align-GVGD) all suggest that this variant is likely to be tolerated, but these predictions have not been confirmed by published functional studies. In summary, this variant is a rare missense change that is not predicted to affect protein function. There is no indication that it causes disease, but the available evidence is currently insufficient to prove that conclusively. Therefore, it has been classified as a Variant of Uncertain Significance.

NM_174936.4(PCSK9):c.1858G>A (p.Glu620Lys)

Gene: PCSK9 (proprotein convertase subtilisin/kexin type 9; plus strand). Cytogenetic location: 1p32.3.
Variant type: single nucleotide variant.
Coding change: c.1858G>A on transcript NM_174936.4 (MANE Select); coding-DNA position 1858, G replaced by A.
Protein change: p.Glu620Lys; replaces glutamic acid 620 with lysine.
Molecular consequence: missense variant.
Genome position (GRCh38, 1-based): chr1:55,061,551, G>A. VCF-style: chr1-55061551-G-A. GRCh37 (hg19) VCF-style: chr1-55527224-G-A.
Other names: c.1981G>A, p.Glu661Lys (NM_001407240.1); c.1900G>A, p.Glu634Lys (NM_001407241.1); c.1861G>A, p.Glu621Lys (NM_001407242.1); c.1801G>A, p.Glu601Lys (NM_001407243.1); c.1684G>A, p.Glu562Lys (NM_001407244.1); c.1666G>A, p.Glu556Lys (NM_001407245.1); c.1483G>A, p.Glu495Lys (NM_001407246.1); c.1357G>A, p.Glu453Lys (NM_001407247.1); short protein forms E620K, E556K, E495K, E562K, E601K, E634K, E453K, E621K.
Identifiers: ClinVar variation 405334 (VCV000405334.2), dbSNP rs1060500656, ClinGen allele CA16610214.